The following is an entry in ClinVar:

NM_001042492.3(NF1):c.3329_3332del (p.Leu1109_Phe1110insTer)

Gene: NF1 (neurofibromin 1; plus strand). Cytogenetic location: 17q11.2.
Variant type: Microsatellite.
Coding change: c.3329_3332del on transcript NM_001042492.3 (MANE Select); coding-DNA positions 3329 to 3332, 4 bases deleted (TTAT; older notation c.3329_3332delTTAT).
Protein change: p.Leu1109_Phe1110insTer.
Molecular consequence: nonsense. On other transcripts: frameshift variant (1).
Genome position (GRCh38, 1-based): chr17:31,232,714-31,232,717, TTAT deleted; deleting any 4 consecutive bases within chr17:31,232,710-31,232,717 gives the same sequence; the c. name uses the placement nearest the transcript's 3' end. VCF-style (leftmost placement, unchanged base first): chr17-31232709-ATTAT-A. GRCh37 (hg19) VCF-style: chr17-29559727-ATTAT-A.
Other names: c.3329_3332delTTAT (NM_001042492.3, NM_000267.3); c.3325_3328TTAT[1], p.Phe1110Terfs (NM_000267.4).
Identifiers: ClinVar variation 944507 (VCV000944507.8), dbSNP rs2067134264, ClinGen allele CA2255569624.

ClinVar aggregate classification (germline): Pathogenic/Likely pathogenic. Review status: criteria provided, multiple submitters, no conflicts (2 of 4 stars). 3 submissions from 3 submitters: Pathogenic (1); Likely pathogenic (1). 1 of the submissions does not count toward it. Last evaluated 2023-09-22.

Conditions:
Neurofibromatosis, type 1 (NF1). Also called: Peripheral type neurofibromatosis; Neurofibromatosis, type I; VON RECKLINGHAUSEN DISEASE; NEUROFIBROMATOSIS, TYPE I, SOMATIC. Identifiers: Orphanet 636, MedGen C0027831, MONDO:0018975, OMIM 162200. Disease mechanism: loss of function.

Submissions (3):

Labcorp Genetics (formerly Invitae), Labcorp
Classification: Pathogenic for Neurofibromatosis, type 1. Last evaluated: 2023-09-22. Review status: criteria provided, single submitter. Criteria: Invitae Variant Classification Sherloc (09022015). Collection method: clinical testing. Allele origin: germline.
Comment: This sequence change creates a premature translational stop signal (p.Phe1110*) in the NF1 gene. It is expected to result in an absent or disrupted protein product. Loss-of-function variants in NF1 are known to be pathogenic (PMID: 10712197, 23913538). This variant is not present in population databases (gnomAD no frequency). This premature translational stop signal has been observed in individuals with neurofibromatosis type 1 (PMID: 23656349; Invitae). ClinVar contains an entry for this variant (Variation ID: 944507). Algorithms developed to predict the effect of sequence changes on RNA splicing suggest that this variant may create or strengthen a splice site. For these reasons, this variant has been classified as Pathogenic.

Women's Health and Genetics/Laboratory Corporation of America, LabCorp
Classification: Likely pathogenic for Neurofibromatosis, type 1. Last evaluated: 2022-06-16. Review status: criteria provided, single submitter. Criteria: LabCorp Variant Classification Summary - May 2015. Collection method: clinical testing. Allele origin: germline.
Comment: Variant summary: NF1 c.3329_3332delTTAT (p.Phe1110X) results in a premature termination codon, predicted to cause a truncation of the encoded protein or absence of the protein due to nonsense mediated decay, which are commonly known mechanisms for disease. Truncations downstream of this position have been classified as pathogenic by our laboratory. The variant was absent in 251110 control chromosomes (gnomAD). c.3329_3332delTTAT has been reported in the literature in at-least one individual affected with Neurofibromatosis Type 1 (example: van Minkelen_2014). To our knowledge, no experimental evidence demonstrating an impact on protein function has been reported. Two clinical diagnostic laboratories have submitted clinical-significance assessments for this variant to ClinVar after 2014 and all laboratories classified the variant as pathogenic. Based on the evidence outlined above, the variant was classified as likely pathogenic.

Laboratory of Medical Genetics, National & Kapodistrian University of Athens
Classification: Pathogenic for Neurofibromatosis, type 1. Last evaluated: 2019-01-01. Review status: no assertion criteria provided. Collection method: clinical testing. Allele origin: germline. Affected: yes. Not counted in ClinVar's aggregate classification.

Literature cited by the submitters: PubMed 10712197 (cited by Labcorp Genetics (formerly Invitae), Labcorp); PubMed 23913538 (cited by Labcorp Genetics (formerly Invitae), Labcorp); PubMed 23656349 (cited by Labcorp Genetics (formerly Invitae), Labcorp and Women's Health and Genetics/Laboratory Corporation of America, LabCorp).